The following is an entry in ClinVar:

ClinVar aggregate classification (germline): Uncertain significance (1 of 4 stars; one submission).

Conditions:
Hereditary cancer-predisposing syndrome. Also called: Neoplastic Syndromes, Hereditary; Tumor predisposition; Hereditary Cancer Syndrome; Hereditary neoplastic syndrome. Identifiers: Orphanet 140162, MedGen C0027672, MeSH D009386, MONDO:0015356.

Submission:

Ambry Genetics
Classification: Uncertain significance for Hereditary cancer-predisposing syndrome. Last evaluated: 2026-07-07. Review status: criteria provided, single submitter. Criteria: Ambry Variant Classification Scheme 2023. Collection method: clinical testing. Allele origin: germline.
Comment: The p.V112F variant (also known as c.334G>T), located in coding exon 1 of the MEN1 gene, results from a G to T substitution at nucleotide position 334. The valine at codon 112 is replaced by phenylalanine, an amino acid with highly similar properties. This amino acid position is conserved. In addition, the in silico prediction for this alteration is inconclusive. Based on the available evidence, the clinical significance of this variant remains unclear.

NM_001370259.2(MEN1):c.334G>T (p.Val112Phe)

Gene: MEN1 (menin 1; minus strand). Cytogenetic location: 11q13.1.
Variant type: single nucleotide variant.
Coding change: c.334G>T on transcript NM_001370259.2 (MANE Select); coding-DNA position 334, G replaced by T.
Protein change: p.Val112Phe; replaces valine 112 with phenylalanine.
Molecular consequence: missense variant. On other transcripts: non-coding transcript variant (4).
Genome position (GRCh38, 1-based): chr11:64,809,776, C>A on the plus strand (G>T on the coding strand, the complement: MEN1 is on the minus strand). VCF-style: chr11-64809776-C-A. GRCh37 (hg19) VCF-style: chr11-64577248-C-A.
Other names: c.334G>T, p.Val112Phe (NM_001370261.2, NM_001370262.2, NM_001370263.2 and 20 more transcripts); short protein forms V112F.
Identifiers: ClinVar variation 4839178 (VCV004839178.2).
Genomic context (GRCh38, chr11:64,809,776, plus strand): 5'-AGCGGCTGAGGCTGTTCCATATGACATCGGAGACCTTCTTCACCAGCTCACGGCTGGAGA[C>A]ACCCCCTTCTCGAGGATAGAGGGACAGGTCGACGGCGCCTCGGATCTGGGCGGTGAAGCG-3'
Protein context (NP_001357188.2, residues 102-122): DLSLYPREGG[Val112Phe]SSRELVKKVS